The following is an entry in ClinVar:

ClinVar aggregate classification (germline): Uncertain significance (1 of 4 stars; one submission).

Submission:

Laboratorio de Genetica e Diagnostico Molecular, Hospital Israelita Albert Einstein
Classification: Uncertain significance. Last evaluated: 2021-02-01. Review status: criteria provided, single submitter. Criteria: ACMG Guidelines, 2015. Collection method: clinical testing. Allele origin: germline. Affected: yes.
Comment: ACMG classification criteria: PM2, PP2, BP4

NM_007327.4(GRIN1):c.2287C>A (p.Arg763Ser)

Gene: GRIN1 (glutamate ionotropic receptor NMDA type subunit 1; plus strand). Cytogenetic location: 9q34.3.
Variant type: single nucleotide variant.
Coding change: c.2287C>A on transcript NM_007327.4 (MANE Select); coding-DNA position 2287, C replaced by A.
Protein change: p.Arg763Ser; replaces arginine 763 with serine.
Molecular consequence: missense variant.
Genome position (GRCh38, 1-based): chr9:137,163,284, C>A. VCF-style: chr9-137163284-C-A. GRCh37 (hg19) VCF-style: chr9-140057736-C-A.
Other names: c.2287C>A, p.Arg763Ser (NM_000832.7, NM_021569.4); c.2350C>A, p.Arg784Ser (NM_001185090.2, NM_001185091.2); short protein forms R763S, R784S.
Identifiers: ClinVar variation 1690452 (VCV001690452.2), dbSNP rs1184623491, ClinGen allele CA375724245.